The following is an entry in ClinVar:

NM_022552.5(DNMT3A):c.844C>G (p.Pro282Ala)

Gene: DNMT3A (DNA methyltransferase 3 alpha; minus strand). Cytogenetic location: 2p23.3.
Variant type: single nucleotide variant.
Coding change: c.844C>G on transcript NM_022552.5 (MANE Select); coding-DNA position 844, C replaced by G.
Protein change: p.Pro282Ala; replaces proline 282 with alanine.
Molecular consequence: missense variant. On other transcripts: non-coding transcript variant (1).
Genome position (GRCh38, 1-based): chr2:25,248,048, G>C on the plus strand (C>G on the coding strand, the complement: DNMT3A is on the minus strand). VCF-style: chr2-25248048-G-C. GRCh37 (hg19) VCF-style: chr2-25470917-G-C.
Other names: c.388C>G, p.Pro130Ala (NM_001320893.1); c.175C>G, p.Pro59Ala (NM_001375819.1); c.277C>G, p.Pro93Ala (NM_153759.3); c.844C>G, p.Pro282Ala (NM_175629.2); short protein forms P282A, P130A, P59A, P93A.
Identifiers: ClinVar variation 3841795 (VCV003841795.1).

ClinVar aggregate classification (germline): Uncertain significance (1 of 4 stars; one submission).

Conditions:
Inborn genetic diseases. Identifiers: MedGen C0950123, MeSH D030342.

Submission:

Ambry Genetics
Classification: Uncertain significance for Inborn genetic diseases. Last evaluated: 2025-02-16. Review status: criteria provided, single submitter. Criteria: Ambry Variant Classification Scheme 2023. Collection method: clinical testing. Allele origin: germline.
Comment: The p.P282A variant (also known as c.844C>G), located in coding exon 6 of the DNMT3A gene, results from a C to G substitution at nucleotide position 844. The proline at codon 282 is replaced by alanine, an amino acid with highly similar properties. This amino acid position is conserved. In addition, this alteration is predicted to be tolerated by in silico analysis. Based on the available evidence, the clinical significance of this variant remains unclear.